The following is an entry in ClinVar:

ClinVar aggregate classification (germline): Pathogenic (1 of 4 stars; one submission).

Conditions:
Dyskeratosis congenita. Identifiers: Orphanet 1775, MedGen C0265965, MONDO:0015780.

Submission:

Labcorp Genetics (formerly Invitae), Labcorp
Classification: Pathogenic for Dyskeratosis congenita. Last evaluated: 2023-05-09. Review status: criteria provided, single submitter. Criteria: Invitae Variant Classification Sherloc (09022015). Collection method: clinical testing. Allele origin: germline.
Comment: This sequence change creates a premature translational stop signal (p.Val49Glyfs*65) in the CTC1 gene. It is expected to result in an absent or disrupted protein product. Loss-of-function variants in CTC1 are known to be pathogenic (PMID: 22267198, 22387016). This variant is not present in population databases (gnomAD no frequency). This variant has not been reported in the literature in individuals affected with CTC1-related conditions. For these reasons, this variant has been classified as Pathogenic.

Literature cited by the submitters: PubMed 22267198; PubMed 22387016.

NM_025099.6(CTC1):c.146_149del (p.Val49fs)

Gene: CTC1 (CST telomere replication complex component 1; minus strand). Cytogenetic location: 17p13.1.
Variant type: Deletion.
Coding change: c.146_149del on transcript NM_025099.6 (MANE Select); coding-DNA positions 146 to 149, 4 bases deleted (TCTG; older notation c.146_149delTCTG).
Protein change: p.Val49fs; shifts the reading frame from valine 49.
Molecular consequence: frameshift variant. On other transcripts: non-coding transcript variant (1).
Genome position (GRCh38, 1-based): chr17:8,243,033-8,243,036, CAGA deleted on the plus strand (TCTG on the coding strand, the reverse complement: CTC1 is on the minus strand); deleting any 4 consecutive bases within chr17:8,243,033-8,243,039 gives the same sequence; the c. name uses the placement nearest the transcript's 3' end. VCF-style (leftmost placement, unchanged base first): chr17-8243032-CCAGA-C. GRCh37 (hg19) VCF-style: chr17-8146350-CCAGA-C.
Other names: c.146_149del, p.Val49fs (NM_001411067.1); short protein forms V49fs.
Identifiers: ClinVar variation 2914164 (VCV002914164.3), dbSNP rs2508005637, ClinGen allele CA2739267128.